The following is an entry in ClinVar:

NM_001830.4(CLCN4):c.584_585delinsCA (p.Ile195Thr)

Gene: CLCN4 (chloride voltage-gated channel 4; plus strand). Cytogenetic location: Xp22.2.
Variant type: Indel.
Coding change: c.584_585delinsCA on transcript NM_001830.4 (MANE Select); coding-DNA positions 584 to 585, TC replaced by CA.
Protein change: p.Ile195Thr; replaces isoleucine 195 with threonine.
Molecular consequence: missense variant.
Genome position (GRCh38, 1-based): chrX:10,206,386-10,206,387, TC replaced by CA. VCF-style: chrX-10206386-TC-CA. GRCh37 (hg19) VCF-style: chrX-10174426-TC-CA.
Other names: c.302_303delinsCA, p.Ile101Thr (NM_001256944.2); short protein forms I195T, I101T.
Identifiers: ClinVar variation 951888 (VCV000951888.10), dbSNP rs1924388314, ClinGen allele CA1139667224.

ClinVar aggregate classification (germline): Uncertain significance. Review status: criteria provided, multiple submitters, no conflicts (2 of 4 stars). 2 submissions from 2 submitters: Uncertain significance (2). Last evaluated 2023-06-15.

Submissions (2):

GeneDx
Classification: Uncertain significance. Last evaluated: 2023-06-15. Review status: criteria provided, single submitter. Criteria: GeneDx Variant Classification Process June 2021. Collection method: clinical testing. Allele origin: germline. Affected: yes.
Comment: Not observed at significant frequency in large population cohorts (gnomAD); In silico analysis supports a deleterious effect on protein structure/function; Has not been previously published as pathogenic or benign to our knowledge

Labcorp Genetics (formerly Invitae), Labcorp
Classification: Uncertain significance. Last evaluated: 2020-04-02. Review status: criteria provided, single submitter. Criteria: Invitae Variant Classification Sherloc (09022015). Collection method: clinical testing. Allele origin: germline.
Comment: In summary, the available evidence is currently insufficient to determine the role of this variant in disease. Therefore, it has been classified as a Variant of Uncertain Significance. Algorithms developed to predict the effect of missense changes on protein structure and function are either unavailable or do not agree on the potential impact of this missense change (SIFT: Not Available; PolyPhen-2: "Probably Damaging"; Align-GVGD: Not Available). This variant has not been reported in the literature in individuals with CLCN4-related conditions. This variant is not present in population databases (ExAC no frequency). This sequence change replaces isoleucine with threonine at codon 195 of the CLCN4 protein (p.Ile195Thr). The isoleucine residue is highly conserved and there is a moderate physicochemical difference between isoleucine and threonine.